The following is an entry in ClinVar:

NM_033310.3(KCNK4):c.515C>A (p.Ala172Glu)

Genes: KCNK4-CATSPERZ (KCNK4-CATSPERZ readthrough (NMD candidate); plus strand), KCNK4 (potassium two pore domain channel subfamily K member 4; plus strand). Cytogenetic location: 11q13.1.
Variant type: single nucleotide variant.
Coding change: c.515C>A on transcript NM_033310.3 (MANE Select); coding-DNA position 515, C replaced by A.
Protein change: p.Ala172Glu; replaces alanine 172 with glutamic acid.
Molecular consequence: missense variant. On other transcripts: non-coding transcript variant (1).
Genome position (GRCh38, 1-based): chr11:64,297,507, C>A. VCF-style: chr11-64297507-C-A. GRCh37 (hg19) VCF-style: chr11-64064979-C-A.
Other names: c.515C>A, p.Ala172Glu (NM_001317090.2); short protein forms A172E.
Identifiers: ClinVar variation 560221 (VCV000560221.7), dbSNP rs1565369746, ClinGen allele CA381165679.

ClinVar aggregate classification (germline): Pathogenic/Likely pathogenic. Review status: criteria provided, multiple submitters, no conflicts (2 of 4 stars). 4 submissions from 4 submitters: Pathogenic (2); Likely pathogenic (1). 1 of the submissions does not count toward it. Last evaluated 2022-05-16.

Conditions:
Facial dysmorphism, hypertrichosis, epilepsy, intellectual/developmental delay, and gingival overgrowth syndrome. Identifiers: Orphanet 598603, MedGen C5193066, MONDO:0032714, OMIM 618381.
Intellectual disability. Also called: Intellectual functioning disability; intellectual disabilities; Intellectual developmental disorder. Identifiers: MedGen C3714756, MeSH D008607, MONDO:0001071, HP:0001249.
Seizure. Also called: Seizures. Identifiers: MedGen C0036572, HP:0001250.
Generalized hypertrichosis. Identifiers: MedGen C3277940, HP:0004554.
Gingival overgrowth. Also called: Gingival enlargement. Identifiers: MedGen C0376480, MONDO:0002507, HP:0000212.
Abnormal facial shape. Also called: Dysmorphic facies; Dysmorphic facial features. Identifiers: MedGen C0424503, HP:0001999.

Submissions (4):

Laboratoire de Génétique Moléculaire, CHU Bordeaux
Classification: Pathogenic for Facial dysmorphism, hypertrichosis, epilepsy, intellectual/developmental delay, and gingival overgrowth syndrome. Last evaluated: 2022-05-16. Review status: criteria provided, single submitter. Criteria: ACMG Guidelines, 2015. Collection method: clinical testing. Allele origin: germline. Affected: yes.

Genomic Medicine Lab, University of California San Francisco
Classification: Likely pathogenic for Facial dysmorphism, hypertrichosis, epilepsy, intellectual/developmental delay, and gingival overgrowth syndrome. Last evaluated: 2020-04-23. Review status: criteria provided, single submitter. Criteria: ACMG Guidelines, 2015. Collection method: clinical testing. Allele origin: de novo. Inheritance: Autosomal dominant inheritance. Affected: yes. Study: CSER-P3EGS.

Tartaglia Lab, Genetics and Rare Diseases Research Division, Bambino Gesu' Children's Hospital
Classification: Pathogenic for Abnormal facial shape; Generalized hypertrichosis; Seizure; Intellectual disability; Gingival overgrowth. Last evaluated: 2018-07-01. Review status: criteria provided, single submitter. Criteria: ACMG Guidelines, 2015. Collection method: research. Allele origin: de novo. Affected: yes.
Comment: this is a pathogenic variant associated with a novel neurodevelopmental disorder

OMIM
Classification: Pathogenic for FACIAL DYSMORPHISM, HYPERTRICHOSIS, EPILEPSY, INTELLECTUAL/DEVELOPMENTAL DELAY, AND GINGIVAL OVERGROWTH SYNDROME. Last evaluated: 2026-06-24. Review status: no assertion criteria provided. Collection method: literature only. Allele origin: germline. Not counted in ClinVar's aggregate classification.

Literature cited by the submitters: PubMed 30290154 (cited by OMIM); PubMed 34390650 (cited by OMIM).